The following is an entry in ClinVar:

ClinVar aggregate classification (germline): Benign. Review status: criteria provided, multiple submitters, no conflicts (2 of 4 stars). 3 submissions from 3 submitters: Benign (3). Last evaluated 2023-11-12.

Allele frequency attached by ClinVar (database versions not stated): 1000 Genomes Project 0.16733; 1000 Genomes Project 30x 0.17021; gnomAD 0.20116 and 0.20601; TOPMed 0.20620.
gnomAD v4.1: 282,957 of 1,231,074 alleles (23%); highest among the groups gnomAD compares: Non-Finnish European, 24%; 33,172 homozygotes.

Submissions (3):

Unidad de Genómica Garrahan, Hospital de Pediatría Garrahan
Classification: Benign. Last evaluated: 2023-11-12. Review status: criteria provided, single submitter. Criteria: ACMG Guidelines, 2015. Collection method: clinical testing. Allele origin: germline. Affected: no. Observed: 38 variant alleles.
Comment: This variant is classified as Benign based on local population frequency. This variant was detected in 40% of patients studied by a panel of primary immunodeficiencies. Number of patients: 38. Only high quality variants are reported.

GeneDx
Classification: Benign. Last evaluated: 2021-06-19. Review status: criteria provided, single submitter. Criteria: GeneDx Variant Classification Process June 2021. Collection method: clinical testing. Allele origin: germline. Affected: yes.

Breakthrough Genomics
Classification: Benign. Review status: criteria provided, single submitter. Criteria: ACMG Guidelines, 2015. Collection method: not provided. Allele origin: germline. Inheritance: Autosomal recessive inheritance. Affected: yes.

NM_006949.4(STXBP2):c.37+64G>A

Gene: STXBP2 (syntaxin binding protein 2; plus strand). Cytogenetic location: 19p13.2.
Variant type: single nucleotide variant.
Coding change: c.37+64G>A on transcript NM_006949.4 (MANE Select); 64 bases into the intron after coding-DNA position 37, G replaced by A.
Molecular consequence: intron variant.
Genome position (GRCh38, 1-based): chr19:7,637,250, G>A. VCF-style: chr19-7637250-G-A. GRCh37 (hg19) VCF-style: chr19-7702136-G-A.
Other names: c.37+64G>A (NM_001272034.2, NM_001127396.3).
Identifiers: ClinVar variation 1288717 (VCV001288717.4), dbSNP rs794076, ClinGen allele CA16567441.
Genomic context (GRCh38, chr19:7,637,250, plus strand): 5'-AGTGCCTCTCCGGGGCCGGGCTCTGGCGTCCGGTGTGGGACGGGGGTCGGGGACGCACGG[G>A]CTCTGGGATCCTGGGTTTCATGGCGGCTGGGAGTTGGGGGCCGGGCTGGGCGTCCGAGCA-3'